The following is an entry in ClinVar:

NM_139057.4(ADAMTS17):c.548A>G (p.Lys183Arg)

Gene: ADAMTS17 (ADAM metallopeptidase with thrombospondin type 1 motif 17; minus strand). Cytogenetic location: 15q26.3.
Variant type: single nucleotide variant.
Coding change: c.548A>G on transcript NM_139057.4 (MANE Select); coding-DNA position 548, A replaced by G.
Protein change: p.Lys183Arg; replaces lysine 183 with arginine.
Molecular consequence: missense variant.
Genome position (GRCh38, 1-based): chr15:100,330,957, T>C on the plus strand (A>G on the coding strand, the complement: ADAMTS17 is on the minus strand). VCF-style: chr15-100330957-T-C. GRCh37 (hg19) VCF-style: chr15-100871162-T-C.
Other names: p.Lys183Arg; short protein forms K183R.
Identifiers: ClinVar variation 886688 (VCV000886688.39), dbSNP rs146934810, ClinGen allele CA7758693.

ClinVar aggregate classification (germline): Conflicting classifications of pathogenicity. Review status: criteria provided, conflicting classifications (1 of 4 stars). 9 submissions from 9 submitters: Uncertain significance (2); Likely benign (4). 3 of the submissions do not count toward it. Last evaluated 2026-02-01.

Conditions:
ADAMTS17-related disorder. Also called: ADAMTS17-related condition.
Weill-Marchesani 4 syndrome, recessive. Also called: Weill-Marchesani syndrome 4. Identifiers: Orphanet 363992, MedGen C2750787, MONDO:0013176, OMIM 613195.

Allele frequency attached by ClinVar (database versions not stated): 1000 Genomes Project 0.00100; 1000 Genomes Project 30x 0.00125; ExAC 0.00134; gnomAD exomes 0.00161 and 0.00259; ESP Exome Variant Server 0.00192; gnomAD 0.00200 and 0.00209; TOPMed 0.00221.
gnomAD v4.1: 4,097 of 1,614,100 alleles (0.25%); highest among the groups gnomAD compares: Non-Finnish European, 0.3%; 8 homozygotes.

Submissions (9):

Labcorp Genetics (formerly Invitae), Labcorp
Classification: Likely benign. Last evaluated: 2026-02-01. Review status: criteria provided, single submitter. Criteria: Invitae Variant Classification Sherloc (09022015). Collection method: clinical testing. Allele origin: germline.

CeGaT Center for Human Genetics Tuebingen
Classification: Likely benign. Last evaluated: 2025-08-01. Review status: criteria provided, single submitter. Criteria: CeGaT Center For Human Genetics Tuebingen Variant Classification Criteria Version 2. Collection method: clinical testing. Allele origin: germline. Affected: yes. Observed: 3 variant alleles.
Comment: ADAMTS17: BP4

Blueprint Genetics
Classification: Likely benign. Last evaluated: 2024-11-17. Review status: criteria provided, single submitter. Criteria: ACMG Guidelines, 2015. Collection method: clinical testing. Allele origin: germline.

Mayo Clinic Laboratories, Mayo Clinic
Classification: Likely benign. Last evaluated: 2024-07-29. Review status: criteria provided, single submitter. Criteria: ACMG Guidelines, 2015. Collection method: clinical testing. Allele origin: germline. Observed: 5 variant alleles.
Comment: BS1, BP4

Illumina Laboratory Services, Illumina
Classification: Uncertain significance for Weill-Marchesani 4 syndrome, recessive. Last evaluated: 2018-01-13. Review status: criteria provided, single submitter. Criteria: ICSL Variant Classification Criteria 13 December 2019. Collection method: clinical testing. Allele origin: germline.

Baylor Genetics
Classification: Uncertain significance for Weill-Marchesani 4 syndrome, recessive. Last evaluated: 2018-01-01. Review status: criteria provided, single submitter. Criteria: ACMG Guidelines, 2015. Collection method: clinical testing. Allele origin: paternal. Affected: yes.
Comment: This variant was determined to be of uncertain significance according to ACMG Guidelines, 2015 [PMID:25741868].

PreventionGenetics, part of Exact Sciences
Classification: Likely benign for ADAMTS17-related condition. Last evaluated: 2022-12-15. Review status: no assertion criteria provided. Collection method: clinical testing. Allele origin: germline. Not counted in ClinVar's aggregate classification.
Comment: This variant is classified as likely benign based on ACMG/AMP sequence variant interpretation guidelines (Richards et al. 2015 PMID: 25741868, with internal and published modifications).

Clinical Genetics DNA and cytogenetics Diagnostics Lab, Erasmus MC, Erasmus Medical Center
Classification: Likely benign. Review status: no assertion criteria provided. Collection method: clinical testing. Allele origin: germline. Affected: yes. Study: VKGL Data-share Consensus. Not counted in ClinVar's aggregate classification.

Laboratory of Diagnostic Genome Analysis, Leiden University Medical Center (LUMC)
Classification: Likely benign. Review status: no assertion criteria provided. Collection method: clinical testing. Allele origin: germline. Affected: yes. Study: VKGL Data-share Consensus. Not counted in ClinVar's aggregate classification.